The following is an entry in ClinVar:

NM_001927.4(DES):c.722_724del (p.Lys241_Val242delinsMet)

Gene: DES (desmin; plus strand). Cytogenetic location: 2q35.
Variant type: Deletion.
Coding change: c.722_724del on transcript NM_001927.4 (MANE Select); coding-DNA positions 722 to 724, 3 bases deleted (AAG; older notation c.722_724delAAG).
Protein change: p.Lys241_Val242delinsMet.
Molecular consequence: inframe indel. On other transcripts: intron variant (1).
Genome position (GRCh38, 1-based): chr2:219,420,333-219,420,335, AAG deleted. VCF-style (leftmost placement, unchanged base first): chr2-219420332-AAAG-A. GRCh37 (hg19) VCF-style: chr2-220285054-AAAG-A.
Other names: c.719_721del, p.Lys240_Val241delinsMet (NM_001382708.1); c.722_724del, p.Lys241_Val242delinsMet (NM_001382709.1, NM_001382710.1, NM_001382711.1 and 1 more transcripts); c.496-192_496-190del (NM_001382713.1).
Identifiers: ClinVar variation 2029283 (VCV002029283.4), dbSNP rs2545251565, ClinGen allele CA2580065802.
Genomic context (GRCh38, chr2:219,420,332, plus strand): 5'-GCTCGCATTGACCTGGAGCGCAGAATTGAATCTCTCAACGAGGAGATCGCGTTCCTTAAG[AAAG>A]TGCATGAAGAGGTATACCTTGGCCCCTCTTCCTGGGGTCACTGGGCCATGGGGAAAGCAG-3'

ClinVar aggregate classification (germline): Uncertain significance (1 of 4 stars; one submission).

Conditions:
Desmin-related myofibrillar myopathy (MFM1). Also called: Desminopathy; Desmin related myopathy (former name); Desmin storage myopathy (former name); MYOFIBRILLAR MYOPATHY WITH ARRHYTHMOGENIC RIGHT VENTRICULAR CARDIOMYOPATHY; DESMIN-RELATED MYOPATHY WITH ARRHYTHMOGENIC RIGHT VENTRICULAR CARDIOMYOPATHY; Myofibrillar myopathy 1. Identifiers: Orphanet 363543, Orphanet 98909, MedGen C1832370, MONDO:0011076, OMIM 601419.

Submission:

Labcorp Genetics (formerly Invitae), Labcorp
Classification: Uncertain significance for Desmin-related myofibrillar myopathy. Last evaluated: 2025-04-07. Review status: criteria provided, single submitter. Criteria: Invitae Variant Classification Sherloc (09022015). Collection method: clinical testing. Allele origin: germline.
Comment: This variant, c.722_724del, is a complex sequence change that results in the deletion of 2 and insertion of 1 amino acid(s) in the DES protein (p.Lys241_Val242delinsMet). This variant is not present in population databases (gnomAD no frequency). This variant has not been reported in the literature in individuals affected with DES-related conditions. ClinVar contains an entry for this variant (Variation ID: 2029283). Experimental studies and prediction algorithms are not available or were not evaluated, and the functional significance of this variant is currently unknown. In summary, the available evidence is currently insufficient to determine the role of this variant in disease. Therefore, it has been classified as a Variant of Uncertain Significance.